The following is an entry in ClinVar:

ClinVar aggregate classification (germline): Benign. Review status: criteria provided, multiple submitters, no conflicts (2 of 4 stars). 4 submissions from 4 submitters: Benign (4). Last evaluated 2021-07-14.

Conditions:
Hearing loss, autosomal recessive 112. Also called: DEAFNESS, AUTOSOMAL RECESSIVE 112. Identifiers: MedGen C4748855, MONDO:0032639, OMIM 618257.

Allele frequency attached by ClinVar (database versions not stated): TOPMed 0.42350; 1000 Genomes Project 30x 0.42958; gnomAD 0.44225 and 0.44352; gnomAD exomes 0.45530 and 0.48120; 1000 Genomes Project 0.43271; ESP Exome Variant Server 0.44776; ExAC 0.46180.
gnomAD v4.1: 769,978 of 1,612,198 alleles (48%); highest among the groups gnomAD compares: South Asian, 55%; 186,516 homozygotes.

Submissions (4):

Genome-Nilou Lab
Classification: Benign for Hearing loss, autosomal recessive 112. Last evaluated: 2021-07-14. Review status: criteria provided, single submitter. Criteria: ACMG Guidelines, 2015. Collection method: clinical testing. Allele origin: germline. Affected: no.

Mayo Clinic Laboratories, Mayo Clinic
Classification: Benign. Last evaluated: 2019-07-31. Review status: criteria provided, single submitter. Criteria: ACMG Guidelines, 2015. Collection method: clinical testing. Allele origin: germline. Observed: 74 variant alleles.

GeneDx
Classification: Benign. Last evaluated: 2017-05-09. Review status: criteria provided, single submitter. Criteria: GeneDx Variant Classification (06012015). Collection method: clinical testing. Allele origin: germline. Affected: yes.
Comment: This variant is considered likely benign or benign based on one or more of the following criteria: it is a conservative change, it occurs at a poorly conserved position in the protein, it is predicted to be benign by multiple in silico algorithms, and/or has population frequency not consistent with disease.

Breakthrough Genomics
Classification: Benign. Review status: criteria provided, single submitter. Criteria: ACMG Guidelines, 2015. Collection method: not provided. Allele origin: germline. Inheritance: Autosomal recessive inheritance. Affected: yes.

NM_018429.3(BDP1):c.2332G>A (p.Val778Met)

Gene: BDP1 (BDP1 general transcription factor IIIB subunit; plus strand). Cytogenetic location: 5q13.2.
Variant type: single nucleotide variant.
Coding change: c.2332G>A on transcript NM_018429.3 (MANE Select); coding-DNA position 2332, G replaced by A.
Protein change: p.Val778Met; replaces valine 778 with methionine.
Molecular consequence: missense variant.
Genome position (GRCh38, 1-based): chr5:71,504,711, G>A. VCF-style: chr5-71504711-G-A. GRCh37 (hg19) VCF-style: chr5-70800538-G-A.
Other names: p.Val778Met; short protein forms V778M.
Identifiers: ClinVar variation 508085 (VCV000508085.6), dbSNP rs3761967, ClinGen allele CA3296256.